The following is an entry in ClinVar:

NM_000458.4(HNF1B):c.1505C>T (p.Ala502Val)

Gene: HNF1B (HNF1 homeobox B; minus strand). Cytogenetic location: 17q12.
Variant type: single nucleotide variant.
Coding change: c.1505C>T on transcript NM_000458.4 (MANE Select); coding-DNA position 1505, C replaced by T.
Protein change: p.Ala502Val; replaces alanine 502 with valine.
Molecular consequence: missense variant. On other transcripts: intron variant (1).
Genome position (GRCh38, 1-based): chr17:37,701,012, G>A on the plus strand (C>T on the coding strand, the complement: HNF1B is on the minus strand). VCF-style: chr17-37701012-G-A. GRCh37 (hg19) VCF-style: chr17-36061017-G-A.
Other names: c.1427C>T, p.Ala476Val (NM_001165923.4); c.1261+3905C>T (NM_001304286.2); short protein forms A476V, A502V.
Identifiers: ClinVar variation 996143 (VCV000996143.3), dbSNP rs2032548578, ClinGen allele CA398754775.

ClinVar aggregate classification (germline): Uncertain significance (1 of 4 stars; one submission).

Conditions:
Renal cysts and diabetes syndrome (RCAD). Also called: MATURITY-ONSET DIABETES OF THE YOUNG, TYPE 5; Familial hypoplastic, glomerulocystic kidney. Identifiers: Orphanet 93111, MedGen C0431693, MONDO:0007669, OMIM 137920.

Submission:

Center for Human Genetics and Genomic Medicine, Uniklinik Rwth Aachen
Classification: Uncertain significance for Renal cysts and diabetes syndrome. Last evaluated: 2021-02-09. Review status: criteria provided, single submitter. Criteria: ACMG Guidelines, 2015. Collection method: clinical testing. Allele origin: unknown. Inheritance: Autosomal dominant inheritance. Affected: yes. Observed: 1 variant allele, 1 heterozygote.
Comment: The detected change has not yet been reported in the relevant databases (dbSNP151, gnomAD, ClinVar) or the literature. In bioinformatics, the change is classified as likely pathogenic (PolyPhen2, Mutation Taster, CADDphred 33). Based on the current state of knowledge, the variant should be classified as a "variant of uncertain clinical significance" (ACMG criteria).